The following is an entry in ClinVar:

ClinVar aggregate classification (germline): Uncertain significance (1 of 4 stars; one submission).

Allele frequency attached by ClinVar (database versions not stated): ExAC 0.00007; gnomAD 0.00007 and 0.00009; gnomAD exomes 0.00007 and 0.00019; ESP Exome Variant Server 0.00008.
gnomAD v4.1: 297 of 1,609,914 alleles (0.018%); highest among the groups gnomAD compares: Non-Finnish European, 0.023%; no homozygotes.

Submission:

Labcorp Genetics (formerly Invitae), Labcorp
Classification: Uncertain significance. Last evaluated: 2022-07-19. Review status: criteria provided, single submitter. Criteria: Invitae Variant Classification Sherloc (09022015). Collection method: clinical testing. Allele origin: germline.
Comment: This sequence change replaces alanine, which is neutral and non-polar, with threonine, which is neutral and polar, at codon 595 of the SLCO2A1 protein (p.Ala595Thr). This variant is present in population databases (rs150503809, gnomAD 0.01%). This variant has not been reported in the literature in individuals affected with SLCO2A1-related conditions. ClinVar contains an entry for this variant (Variation ID: 1433925). Algorithms developed to predict the effect of missense changes on protein structure and function output the following: SIFT: "Tolerated"; PolyPhen-2: "Benign"; Align-GVGD: "Class C0". The threonine amino acid residue is found in multiple mammalian species, which suggests that this missense change does not adversely affect protein function. In summary, the available evidence is currently insufficient to determine the role of this variant in disease. Therefore, it has been classified as a Variant of Uncertain Significance.

NM_005630.3(SLCO2A1):c.1783G>A (p.Ala595Thr)

Gene: SLCO2A1 (solute carrier organic anion transporter family member 2A1; minus strand). Cytogenetic location: 3q22.1.
Variant type: single nucleotide variant.
Coding change: c.1783G>A on transcript NM_005630.3 (MANE Select); coding-DNA position 1783, G replaced by A.
Protein change: p.Ala595Thr; replaces alanine 595 with threonine.
Molecular consequence: missense variant.
Genome position (GRCh38, 1-based): chr3:133,935,805, C>T on the plus strand (G>A on the coding strand, the complement: SLCO2A1 is on the minus strand). VCF-style: chr3-133935805-C-T. GRCh37 (hg19) VCF-style: chr3-133654649-C-T.
Other names: short protein forms A595T.
Identifiers: ClinVar variation 1433925 (VCV001433925.5), dbSNP rs150503809, ClinGen allele CA2626321.